The following is an entry in ClinVar:

NM_014795.4(ZEB2):c.2070A>C (p.Glu690Asp)

Gene: ZEB2 (zinc finger E-box binding homeobox 2; minus strand). Cytogenetic location: 2q22.3.
Variant type: single nucleotide variant.
Coding change: c.2070A>C on transcript NM_014795.4 (MANE Select); coding-DNA position 2070, A replaced by C.
Protein change: p.Glu690Asp; replaces glutamic acid 690 with aspartic acid.
Molecular consequence: missense variant.
Genome position (GRCh38, 1-based): chr2:144,399,117, T>G on the plus strand (A>C on the coding strand, the complement: ZEB2 is on the minus strand). VCF-style: chr2-144399117-T-G. GRCh37 (hg19) VCF-style: chr2-145156684-T-G.
Other names: c.1998A>C, p.Glu666Asp (NM_001171653.2); short protein forms E690D, E666D.
Identifiers: ClinVar variation 4742497 (VCV004742497.1).

ClinVar aggregate classification (germline): Uncertain significance (1 of 4 stars; one submission).

Conditions:
Mowat-Wilson syndrome (MOWS). Also called: Classic Mowat-Wilson Syndrome. Identifiers: Orphanet 2152, MedGen C1856113, MONDO:0009341, OMIM 235730.

Submission:

Labcorp Genetics (formerly Invitae), Labcorp
Classification: Uncertain significance for Mowat-Wilson syndrome. Last evaluated: 2026-01-31. Review status: criteria provided, single submitter. Criteria: Invitae Variant Classification Sherloc (09022015). Collection method: clinical testing. Allele origin: germline.
Comment: This sequence change replaces glutamic acid, which is acidic and polar, with aspartic acid, which is acidic and polar, at codon 690 of the ZEB2 protein (p.Glu690Asp). This variant is not present in population databases (gnomAD no frequency). This variant has not been reported in the literature in individuals affected with ZEB2-related conditions. Invitae Evidence Modeling of protein sequence and biophysical properties (such as structural, functional, and spatial information, amino acid conservation, physicochemical variation, residue mobility, and thermodynamic stability) indicates that this missense variant is not expected to disrupt ZEB2 protein function with a negative predictive value of 80%. In summary, the available evidence is currently insufficient to determine the role of this variant in disease. Therefore, it has been classified as a Variant of Uncertain Significance.